The following is an entry in ClinVar:

NM_001365480.1(CCDC88A):c.1780G>C (p.Glu594Gln)

Gene: CCDC88A (coiled-coil and HOOK domain protein 88A; minus strand). Cytogenetic location: 2p16.1.
Variant type: single nucleotide variant.
Coding change: c.1780G>C on transcript NM_001365480.1 (MANE Select); coding-DNA position 1780, G replaced by C.
Protein change: p.Glu594Gln; replaces glutamic acid 594 with glutamine.
Molecular consequence: missense variant.
Genome position (GRCh38, 1-based): chr2:55,335,041, C>G on the plus strand (G>C on the coding strand, the complement: CCDC88A is on the minus strand). VCF-style: chr2-55335041-C-G. GRCh37 (hg19) VCF-style: chr2-55562177-C-G.
Other names: c.1780G>C (NM_001135597.1); c.1780G>C, p.Glu594Gln (NM_001135597.2, NM_001254943.2, NM_018084.5); short protein forms E594Q.
Identifiers: ClinVar variation 1982012 (VCV001982012.4), dbSNP rs149332952, ClinGen allele CA1666073.
Genomic context (GRCh38, chr2:55,335,041, plus strand): 5'-TAATTTGTCTTTTTTCAAATTCAATCTTGCTTAGCTTGCTACTTGTTTCTTTGATAGATT[C>G]ATGAAGAATTTTGTTTTCTTTTTCAATGTCTTTCACTCTTGCTTCTGCACTTATCTGGGA-3'
Protein context (NP_001352409.1, residues 584-604): DIEKENKILH[Glu594Gln]SIKETSSKLS

ClinVar aggregate classification (germline): Uncertain significance. Review status: criteria provided, multiple submitters, no conflicts (2 of 4 stars). 2 submissions from 2 submitters: Uncertain significance (2). Last evaluated 2025-11-05.

Allele frequency attached by ClinVar (database versions not stated): ExAC 0.00002; TOPMed 0.00003; gnomAD 0.00004; ESP Exome Variant Server 0.00008.
gnomAD v4.1: 55 of 1,610,684 alleles (0.0034%); highest among the groups gnomAD compares: Non-Finnish European, 0.0042%; no homozygotes.

Submissions (2):

Ambry Genetics
Classification: Uncertain significance. Last evaluated: 2025-11-05. Review status: criteria provided, single submitter. Criteria: Ambry Variant Classification Scheme 2023. Collection method: clinical testing. Allele origin: germline.

Labcorp Genetics (formerly Invitae), Labcorp
Classification: Uncertain significance. Last evaluated: 2024-08-12. Review status: criteria provided, single submitter. Criteria: Invitae Variant Classification Sherloc (09022015). Collection method: clinical testing. Allele origin: germline.
Comment: This sequence change replaces glutamic acid, which is acidic and polar, with glutamine, which is neutral and polar, at codon 594 of the CCDC88A protein (p.Glu594Gln). This variant is present in population databases (rs149332952, gnomAD 0.004%). This variant has not been reported in the literature in individuals affected with CCDC88A-related conditions. ClinVar contains an entry for this variant (Variation ID: 1982012). An algorithm developed to predict the effect of missense changes on protein structure and function (PolyPhen-2) suggests that this variant is likely to be disruptive. In summary, the available evidence is currently insufficient to determine the role of this variant in disease. Therefore, it has been classified as a Variant of Uncertain Significance.